The following is an entry in ClinVar:

ClinVar aggregate classification (germline): Uncertain significance. Review status: criteria provided, multiple submitters, no conflicts (2 of 4 stars). 3 submissions from 3 submitters: Uncertain significance (3). Last evaluated 2025-10-20.

Conditions:
Catecholaminergic polymorphic ventricular tachycardia 1. Also called: VENTRICULAR TACHYCARDIA, CATECHOLAMINERGIC POLYMORPHIC, 1, WITH OR WITHOUT ATRIAL DYSFUNCTION AND/OR DILATED CARDIOMYOPATHY; RYR2-Related Catecholaminergic Polymorphic Ventricular Tachycardia; VENTRICULAR TACHYCARDIA, STRESS-INDUCED POLYMORPHIC 1. Identifiers: Orphanet 3286, MedGen C1631597, MONDO:0011484, OMIM 604772.
Catecholaminergic polymorphic ventricular tachycardia (CVPT). Also called: Catecholamine-induced polymorphic ventricular tachycardia. Identifiers: Orphanet 3286, MedGen C5574922, MONDO:0017990.
Cardiomyopathy (CMYO). Also called: Cardiomyopathies. Identifiers: Orphanet 167848, MedGen C0878544, MONDO:0004994, HP:0001638. Inheritance: Various modes of inheritance.

Allele frequency attached by ClinVar (database versions not stated): gnomAD exomes below 0.00001.
gnomAD v4.1: 5 of 1,448,682 alleles (0.00035%); highest among the groups gnomAD compares: Middle Eastern, 0.018%; no homozygotes.

Submissions (3):

Color Diagnostics, LLC DBA Color Health
Classification: Uncertain significance for Cardiomyopathy. Last evaluated: 2025-10-20. Review status: criteria provided, single submitter. Criteria: ACMG Guidelines, 2015. Collection method: clinical testing. Allele origin: germline.
Comment: This missense variant replaces arginine with cysteine at codon 2805 of the RYR2 protein. Computational prediction suggests that this variant may have deleterious impact on protein structure and function. To our knowledge, functional studies have not been reported for this variant. This variant has not been reported in individuals affected with RYR2-related disorders in the literature. This variant has not been identified in the general population by the Genome Aggregation Database (gnomAD). The available evidence is insufficient to determine the role of this variant in disease conclusively. Therefore, this variant is classified as a Variant of Uncertain Significance.

Labcorp Genetics (formerly Invitae), Labcorp
Classification: Uncertain significance for Catecholaminergic polymorphic ventricular tachycardia 1. Last evaluated: 2024-12-02. Review status: criteria provided, single submitter. Criteria: Invitae Variant Classification Sherloc (09022015). Collection method: clinical testing. Allele origin: germline.
Comment: This sequence change replaces arginine, which is basic and polar, with cysteine, which is neutral and slightly polar, at codon 2805 of the RYR2 protein (p.Arg2805Cys). This variant is not present in population databases (gnomAD no frequency). This variant has not been reported in the literature in individuals affected with RYR2-related conditions. ClinVar contains an entry for this variant (Variation ID: 1984446). Invitae Evidence Modeling of protein sequence and biophysical properties (such as structural, functional, and spatial information, amino acid conservation, physicochemical variation, residue mobility, and thermodynamic stability) has been performed for this missense variant. However, the output from this modeling did not meet the statistical confidence thresholds required to predict the impact of this variant on RYR2 protein function. In summary, the available evidence is currently insufficient to determine the role of this variant in disease. Therefore, it has been classified as a Variant of Uncertain Significance.

All of Us Research Program, National Institutes of Health
Classification: Uncertain significance for Catecholaminergic polymorphic ventricular tachycardia. Last evaluated: 2023-05-04. Review status: criteria provided, single submitter. Criteria: ACMG Guidelines, 2015. Collection method: clinical testing. Allele origin: germline. Inheritance: Autosomal dominant inheritance. Observed: 1 variant allele, 1 heterozygote.
Comment: This missense variant replaces arginine with cysteine at codon 2805 of the RYR2 protein. Computational prediction suggests that this variant may have deleterious impact on protein structure and function (internally defined REVEL score threshold >= 0.7, PMID: 27666373). To our knowledge, functional studies have not been reported for this variant. This variant has not been reported in individuals affected with RYR2-related disorders in the literature. This variant has not been identified in the general population by the Genome Aggregation Database (gnomAD). The available evidence is insufficient to determine the role of this variant in disease conclusively. Therefore, this variant is classified as a Variant of Uncertain Significance.

This study involves interpretation of variants in research participants for the purpose of population health screening. Participant phenotype was not available at the time of variant classification. Additional details can be found in publication PMID: 35346344, PMCID: PMC8962531

NM_001035.3(RYR2):c.8413C>T (p.Arg2805Cys)

Gene: RYR2 (ryanodine receptor 2; plus strand). Cytogenetic location: 1q43.
Variant type: single nucleotide variant.
Coding change: c.8413C>T on transcript NM_001035.3 (MANE Select); coding-DNA position 8413, C replaced by T.
Protein change: p.Arg2805Cys; replaces arginine 2805 with cysteine.
Molecular consequence: missense variant.
Genome position (GRCh38, 1-based): chr1:237,660,924, C>T. VCF-style: chr1-237660924-C-T. GRCh37 (hg19) VCF-style: chr1-237824224-C-T.
Other names: short protein forms R2805C.
Identifiers: ClinVar variation 1984446 (VCV001984446.5), dbSNP rs936846998, ClinGen allele CA39806032.